The following is an entry in ClinVar:

NM_020754.4(ARHGAP31):c.3535G>T (p.Ala1179Ser)

Gene: ARHGAP31 (Rho GTPase activating protein 31; plus strand). Cytogenetic location: 3q13.33.
Variant type: single nucleotide variant.
Coding change: c.3535G>T on transcript NM_020754.4 (MANE Select); coding-DNA position 3535, G replaced by T.
Protein change: p.Ala1179Ser; replaces alanine 1179 with serine.
Molecular consequence: missense variant.
Genome position (GRCh38, 1-based): chr3:119,415,464, G>T. VCF-style: chr3-119415464-G-T. GRCh37 (hg19) VCF-style: chr3-119134311-G-T.
Other names: short protein forms A1179S.
Identifiers: ClinVar variation 4885411 (VCV004885411.2).

ClinVar aggregate classification (germline): Uncertain significance (1 of 4 stars; one submission).

Submission:

Dasa
Classification: Uncertain significance. Last evaluated: 2025-08-12. Review status: criteria provided, single submitter. Criteria: DASA Assertion Criteria. Collection method: clinical testing. Allele origin: germline.
Comment: NM_020754.4(ARHGAP31):c.3535G>T (p.Ala1179Ser) is a missense variant that results in the substitution of alanine with serine. This variant is absent from population databases. Computational prediction algorithms are consistent with a benign effect. The currently available literature and clinical evidence are not sufficient to establish a definitive association between this variant and the reported condition. Therefore, this variant is classified as a variant of uncertain significance.